The following is an entry in ClinVar:

NM_177438.3(DICER1):c.5143C>G (p.Leu1715Val)

Gene: DICER1 (dicer 1, ribonuclease III; minus strand). Cytogenetic location: 14q32.13.
Variant type: single nucleotide variant.
Coding change: c.5143C>G on transcript NM_177438.3 (MANE Select); coding-DNA position 5143, C replaced by G.
Protein change: p.Leu1715Val; replaces leucine 1715 with valine.
Molecular consequence: missense variant. On other transcripts: non-coding transcript variant (6).
Genome position (GRCh38, 1-based): chr14:95,094,109, G>C on the plus strand (C>G on the coding strand, the complement: DICER1 is on the minus strand). VCF-style: chr14-95094109-G-C. GRCh37 (hg19) VCF-style: chr14-95560446-G-C.
Other names: c.5143C>G, p.Leu1715Val (NM_001195573.1, NM_001271282.3, NM_001291628.2 and 8 more transcripts); c.4861C>G, p.Leu1621Val (NM_001395686.1); c.4738C>G, p.Leu1580Val (NM_001395687.1, NM_001395688.1, NM_001395689.1 and 1 more transcripts); c.4576C>G, p.Leu1526Val (NM_001395691.1); c.3460C>G, p.Leu1154Val (NM_001395697.1); short protein forms L1715V, L1526V, L1154V, L1580V, L1621V.
Identifiers: ClinVar variation 3272022 (VCV003272022.1).

ClinVar aggregate classification (germline): Uncertain significance (1 of 4 stars; one submission).

Conditions:
Hereditary cancer-predisposing syndrome. Also called: Tumor predisposition; Hereditary Cancer Syndrome; Hereditary neoplastic syndrome; Neoplastic Syndromes, Hereditary. Identifiers: Orphanet 140162, MedGen C0027672, MeSH D009386, MONDO:0015356.

Submission:

Ambry Genetics
Classification: Uncertain significance for Hereditary cancer-predisposing syndrome. Last evaluated: 2024-05-15. Review status: criteria provided, single submitter. Criteria: Ambry Variant Classification Scheme 2023. Collection method: clinical testing. Allele origin: germline.
Comment: The p.L1715V variant (also known as c.5143C>G), located in coding exon 23 of the DICER1 gene, results from a C to G substitution at nucleotide position 5143. The leucine at codon 1715 is replaced by valine, an amino acid with highly similar properties. This amino acid position is conserved. In addition, the in silico prediction for this alteration is inconclusive. Based on the available evidence, the clinical significance of this variant remains unclear.